The following is an entry in ClinVar:

NM_000523.4(HOXD13):c.183_191dup (p.Ala71_Ser72insAlaAlaAla)

Gene: HOXD13 (homeobox D13; plus strand). Cytogenetic location: 2q31.1.
Variant type: Duplication.
Coding change: c.183_191dup on transcript NM_000523.4 (MANE Select); coding-DNA positions 183 to 191, 9 bases duplicated (AGCGGCGGC; older notation c.183_191dupAGCGGCGGC).
Protein change: p.Ala71_Ser72insAlaAlaAla.
Molecular consequence: inframe insertion.
Genome position (GRCh38, 1-based): chr2:176,093,073-176,093,081, AGCGGCGGC duplicated; duplicating any 9 consecutive bases within chr2:176,093,065-176,093,081 gives the same sequence; the c. name uses the placement nearest the transcript's 3' end. VCF-style (leftmost placement, unchanged base first): chr2-176093064-G-GGCGGCGGCA. GRCh37 (hg19) VCF-style: chr2-176957792-G-GGCGGCGGCA.
Identifiers: ClinVar variation 1800475 (VCV001800475.1), dbSNP rs749930395, ClinGen allele CA761038305.

ClinVar aggregate classification (germline): Uncertain significance (1 of 4 stars; one submission).

Submission:

GeneDx
Classification: Uncertain significance. Last evaluated: 2022-05-18. Review status: criteria provided, single submitter. Criteria: GeneDx Variant Classification Process June 2021. Collection method: clinical testing. Allele origin: germline. Affected: yes.
Comment: Not observed at significant frequency in large population cohorts (gnomAD); In-frame insertion of three amino acids in the polyalanine tract; Has not been previously published as pathogenic or benign to our knowledge